The following is an entry in ClinVar:

NM_000455.5(STK11):c.810G>T (p.Gly270=)

Gene: STK11 (serine/threonine kinase 11; plus strand). Cytogenetic location: 19p13.3.
Variant type: single nucleotide variant.
Coding change: c.810G>T on transcript NM_000455.5 (MANE Select); coding-DNA position 810, G replaced by T.
Protein change: p.Gly270=; no amino-acid change (glycine 270 retained).
Molecular consequence: synonymous variant. On other transcripts: non-coding transcript variant (1).
Genome position (GRCh38, 1-based): chr19:1,221,288, G>T. VCF-style: chr19-1221288-G-T. GRCh37 (hg19) VCF-style: chr19-1221287-G-T.
Other names: c.810G>T, p.Gly270= (NM_001407255.1).
Identifiers: ClinVar variation 3726749 (VCV003726749.4).

ClinVar aggregate classification (germline): Benign/Likely benign. Review status: criteria provided, multiple submitters, no conflicts (2 of 4 stars). 3 submissions from 3 submitters: Benign (1); Likely benign (2). Last evaluated 2025-05-02.

Conditions:
Hereditary cancer-predisposing syndrome. Also called: Tumor predisposition; Hereditary Cancer Syndrome; Hereditary neoplastic syndrome; Neoplastic Syndromes, Hereditary. Identifiers: Orphanet 140162, MedGen C0027672, MeSH D009386, MONDO:0015356.
Peutz-Jeghers syndrome (PJS). Also called: POLYPOSIS, HAMARTOMATOUS INTESTINAL; POLYPS-AND-SPOTS SYNDROME; Peutz-Jeghers polyposis; Periorificial lentiginosis syndrome. Identifiers: Orphanet 2869, MedGen C0031269, MeSH D010580, MONDO:0008280, OMIM 175200.

Submissions (3):

Ambry Genetics
Classification: Likely benign for Hereditary cancer-predisposing syndrome. Last evaluated: 2025-05-02. Review status: criteria provided, single submitter. Criteria: Ambry Variant Classification Scheme 2023. Collection method: clinical testing. Allele origin: germline.

Myriad Genetics, Inc.
Classification: Benign for Peutz-Jeghers syndrome. Last evaluated: 2025-03-27. Review status: criteria provided, single submitter. Criteria: Myriad Autosomal Dominant, Autosomal Recessive and X-Linked Classification Criteria (2023). Collection method: clinical testing. Allele origin: unknown.
Comment: This variant is considered benign. This variant is a silent/synonymous amino acid change and it is not expected to impact splicing.

Labcorp Genetics (formerly Invitae), Labcorp
Classification: Likely benign for Peutz-Jeghers syndrome. Last evaluated: 2024-12-06. Review status: criteria provided, single submitter. Criteria: Invitae Variant Classification Sherloc (09022015). Collection method: clinical testing. Allele origin: germline.